The following is an entry in ClinVar:

NM_001126108.2(SLC12A3):c.2303A>G (p.Asn768Ser)

Gene: SLC12A3 (solute carrier family 12 member 3; plus strand). Cytogenetic location: 16q13.
Variant type: single nucleotide variant.
Coding change: c.2303A>G on transcript NM_001126108.2 (MANE Select); coding-DNA position 2303, A replaced by G.
Protein change: p.Asn768Ser; replaces asparagine 768 with serine.
Molecular consequence: missense variant.
Genome position (GRCh38, 1-based): chr16:56,890,291, A>G. VCF-style: chr16-56890291-A-G. GRCh37 (hg19) VCF-style: chr16-56924203-A-G.
Other names: c.2303A>G, p.Asn768Ser (NM_000339.3); c.2300A>G, p.Asn767Ser (NM_001126107.2, NM_001410896.1); short protein forms N768S, N767S.
Identifiers: ClinVar variation 2150986 (VCV002150986.2), dbSNP rs574853861, ClinGen allele CA8069836.

ClinVar aggregate classification (germline): Uncertain significance. Review status: criteria provided, multiple submitters, no conflicts (2 of 4 stars). 2 submissions from 2 submitters: Uncertain significance (2). Last evaluated 2023-10-30.

Allele frequency attached by ClinVar (database versions not stated): TOPMed below 0.00001; ExAC 0.00001; gnomAD 0.00001.
gnomAD v4.1: 16 of 1,614,134 alleles (0.00099%); highest among the groups gnomAD compares: African/African-American, 0.0027%; no homozygotes.

Submissions (2):

Blueprint Genetics
Classification: Uncertain significance. Last evaluated: 2023-10-30. Review status: criteria provided, single submitter. Criteria: ACMG Guidelines, 2015. Collection method: clinical testing. Allele origin: germline.

Labcorp Genetics (formerly Invitae), Labcorp
Classification: Uncertain significance. Last evaluated: 2022-03-19. Review status: criteria provided, single submitter. Criteria: Invitae Variant Classification Sherloc (09022015). Collection method: clinical testing. Allele origin: germline.
Comment: This sequence change replaces asparagine, which is neutral and polar, with serine, which is neutral and polar, at codon 768 of the SLC12A3 protein (p.Asn768Ser). This variant is present in population databases (rs574853861, gnomAD 0.0009%). This variant has not been reported in the literature in individuals affected with SLC12A3-related conditions. Advanced modeling of protein sequence and biophysical properties (such as structural, functional, and spatial information, amino acid conservation, physicochemical variation, residue mobility, and thermodynamic stability) performed at Invitae indicates that this missense variant is not expected to disrupt SLC12A3 protein function. Algorithms developed to predict the effect of sequence changes on RNA splicing suggest that this variant may create or strengthen a splice site. In summary, the available evidence is currently insufficient to determine the role of this variant in disease. Therefore, it has been classified as a Variant of Uncertain Significance.